The following is an entry in ClinVar:

ClinVar aggregate classification (germline): Benign. Review status: reviewed by expert panel (3 of 4 stars). 2 submissions from 2 submitters: Benign (1). 1 of the submissions does not count toward it. Last evaluated 2015-01-12.

Conditions:
Breast-ovarian cancer, familial, susceptibility to, 1 (BROVCA1). Also called: BRCA1 Hereditary Breast and Ovarian Cancer; OVARIAN CANCER, SUSCEPTIBILITY TO. Identifiers: Orphanet 145, MedGen C2676676, MONDO:0011450, OMIM 604370. Disease mechanism: loss of function.

Allele frequency attached by ClinVar (database versions not stated): TOPMed 0.29151; gnomAD 0.30309 and 0.31027; 1000 Genomes Project 30x 0.33463; 1000 Genomes Project 0.34205.
gnomAD v4.1: 46,990 of 151,380 alleles (31%); highest among the groups gnomAD compares: South Asian, 49%; 7,668 homozygotes.

Submissions (2):

Evidence-based Network for the Interpretation of Germline Mutant Alleles (ENIGMA)
Classification: Benign for Breast-ovarian cancer, familial 1. Last evaluated: 2015-01-12. Review status: reviewed by expert panel. Criteria: ENIGMA BRCA1/2 Classification Criteria (2015). Collection method: curation. Allele origin: germline.
Comment: Class 1 not pathogenic based on frequency >1% in an outbred sampleset. Frequency 0.3304 (Asian), 0.2154 (African), 0.3602 (European), derived from 1000 genomes (2012-04-30).

Breakthrough Genomics
Classification: Benign. Review status: criteria provided, single submitter. Criteria: ACMG Guidelines, 2015. Collection method: not provided. Allele origin: germline. Inheritance: Autosomal recessive inheritance. Affected: yes. Not counted in ClinVar's aggregate classification.

NM_007294.4(BRCA1):c.5193+1690A>G

Gene: BRCA1 (BRCA1 DNA repair associated; minus strand). Cytogenetic location: 17q21.31.
Variant type: single nucleotide variant.
Coding change: c.5193+1690A>G on transcript NM_007294.4 (MANE Select); 1690 bases into the intron after coding-DNA position 5193, A replaced by G.
Molecular consequence: intron variant.
Genome position (GRCh38, 1-based): chr17:43,061,643, T>C on the plus strand (A>G on the coding strand, the complement: BRCA1 is on the minus strand). VCF-style: chr17-43061643-T-C. GRCh37 (hg19) VCF-style: chr17-41213660-T-C.
Other names: IVS 19+1690A>G; c.1740+1690A>G (NM_001408458.1, NM_001408461.1, NM_001408464.1 and 7 more transcripts); c.4302+1690A>G (NM_001407967.1); c.4812+1690A>G (NM_001407959.1); c.4926+1690A>G (NM_001407931.1, NM_001407932.1, NM_001407928.1 and 4 more transcripts); c.5049+1690A>G (NM_001407747.1, NM_001407745.1, NM_001407737.1 and 21 more transcripts); c.4809+1690A>G (NM_001407962.1, NM_001407960.1); c.1380+1690A>G (NM_001408512.1); and 73 more.
Identifiers: ClinVar variation 209314 (VCV000209314.3), dbSNP rs8176268, ClinGen allele CA276286.
Genomic context (GRCh38, chr17:43,061,643, plus strand): 5'-TACTTTTTTTTTTTTTTTAAGACAGGGTCTCATTCTGTCTCACAGGCTGGAGTGCAGTGG[T>C]GCAATCTAGGCTCACTGCAACCTCCGCCTCCCGGGTTCAAGTGATTCTCCTGCCTCAGCC-3'